The following is an entry in ClinVar:

ClinVar aggregate classification (germline): Likely pathogenic. Review status: criteria provided, multiple submitters, no conflicts (2 of 4 stars). 4 submissions from 4 submitters: Likely pathogenic (3). 1 of the submissions does not count toward it. Last evaluated 2024-04-11.
ClinVar aggregate classification (oncogenicity): Likely oncogenic (1 of 4 stars; one submission).

Conditions:
Cardiofaciocutaneous syndrome 3 (CFC3). Also called: MAP2K1-Related Cardiofaciocutaneous Syndrome. Identifiers: Orphanet 1340, MedGen C3809006, MONDO:0014113, OMIM 615279.
RASopathy. Also called: rasopathies; Noonan spectrum disorder. Identifiers: Orphanet 536391, MedGen C5555857, MONDO:0021060.
Neoplasm. Also called: Neoplasms; Neoplasm (disease); tumor. Identifiers: MedGen C0027651, MeSH D009369, MONDO:0005070, HP:0002664.

Submissions (5):

Center for Genomic Medicine, Rigshospitalet, Copenhagen University Hospital
Classification: Likely oncogenic for Neoplasm. Last evaluated: 2026-10-16. Review status: criteria provided, single submitter. Criteria: ClinGen/CGC/VICC Guidelines for Oncogenicity, 2022. Collection method: clinical testing. Allele origin: somatic. Affected: yes.

GeneDx
Classification: Likely pathogenic. Last evaluated: 2024-04-11. Review status: criteria provided, single submitter. Criteria: GeneDx Variant Classification Process June 2021. Collection method: clinical testing. Allele origin: germline. Affected: yes.
Comment: In-frame deletion of one amino acid in a non-repeat region; In silico analysis supports a deleterious effect on protein structure/function; Not observed at significant frequency in large population cohorts (gnomAD); This variant is associated with the following publications: (PMID: 29753091, 17551924)

Labcorp Genetics (formerly Invitae), Labcorp
Classification: Likely pathogenic for RASopathy. Last evaluated: 2022-09-02. Review status: criteria provided, single submitter. Criteria: Invitae Variant Classification Sherloc (09022015). Collection method: clinical testing. Allele origin: germline.
Comment: In summary, the currently available evidence indicates that the variant is pathogenic, but additional data are needed to prove that conclusively. Therefore, this variant has been classified as Likely Pathogenic. Experimental studies have shown that this variant affects MAP2K1 function (PMID: 29753091). Algorithms developed to predict the effect of variants on protein structure and function are not available or were not evaluated for this variant. ClinVar contains an entry for this variant (Variation ID: 222074). This variant has been observed in individual(s) with cardio-facio-cutaneous syndrome (PMID: 17551924). In at least one individual the variant was observed to be de novo. This variant is not present in population databases (gnomAD no frequency). This variant, c.175_177del, results in the deletion of 1 amino acid(s) of the MAP2K1 protein (p.Lys59del), but otherwise preserves the integrity of the reading frame.

Molecular Diagnostics Lab, Nemours Children's Health, Delaware
Classification: Likely pathogenic. Last evaluated: 2015-07-21. Review status: criteria provided, single submitter. Criteria: ACMG Guidelines, 2015. Collection method: clinical testing. Allele origin: de novo. Affected: yes. Observed: 1 variant allele.

OMIM
Classification: Pathogenic for CARDIOFACIOCUTANEOUS SYNDROME 3. Last evaluated: 2007-07-01. Review status: no assertion criteria provided. Collection method: literature only. Allele origin: germline. Not counted in ClinVar's aggregate classification.

Literature cited by the submitters: PubMed 29753091 (cited by Labcorp Genetics (formerly Invitae), Labcorp); PubMed 17551924 (cited by 3 submitters).

NM_002755.4(MAP2K1):c.175_177del (p.Lys59del)

Gene: MAP2K1 (mitogen-activated protein kinase kinase 1; plus strand). Cytogenetic location: 15q22.31.
Variant type: Deletion.
Coding change: c.175_177del on transcript NM_002755.4 (MANE Select); coding-DNA positions 175 to 177, 3 bases deleted (AAG; older notation c.175_177delAAG).
Protein change: p.Lys59del; deletes lysine 59.
Molecular consequence: inframe deletion.
Genome position (GRCh38, 1-based): chr15:66,435,121-66,435,123, AAG deleted; deleting any 3 consecutive bases within chr15:66,435,119-66,435,123 gives the same sequence; the c. name uses the placement nearest the transcript's 3' end. VCF-style (leftmost placement, unchanged base first): chr15-66435118-CAGA-C. GRCh37 (hg19) VCF-style: chr15-66727456-CAGA-C.
Other names: c.175_177delAAG (NM_002755.3, NM_002755.4); short protein forms K59del.
Identifiers: ClinVar variation 222074 (VCV000222074.10), dbSNP rs869025339, ClinGen allele CA354831.